The following is an entry in ClinVar:

NM_000141.5(FGFR2):c.1267C>T (p.Pro423Ser)

Gene: FGFR2 (fibroblast growth factor receptor 2; minus strand). Cytogenetic location: 10q26.13.
Variant type: single nucleotide variant.
Coding change: c.1267C>T on transcript NM_000141.5 (MANE Select); coding-DNA position 1267, C replaced by T.
Protein change: p.Pro423Ser; replaces proline 423 with serine.
Molecular consequence: missense variant. On other transcripts: non-coding transcript variant (1), intron variant (1).
Genome position (GRCh38, 1-based): chr10:121,515,137, G>A on the plus strand (C>T on the coding strand, the complement: FGFR2 is on the minus strand). VCF-style: chr10-121515137-G-A. GRCh37 (hg19) VCF-style: chr10-123274651-G-A.
Other names: c.1270C>T, p.Pro424Ser (NM_001144913.1, NM_022970.4); c.931C>T, p.Pro311Ser (NM_001144914.1); c.1000C>T, p.Pro334Ser (NM_001144915.2, NM_023029.3); c.922C>T, p.Pro308Ser (NM_001144916.2, NM_001144918.2); c.1003C>T, p.Pro335Ser (NM_001144919.2); c.583C>T, p.Pro195Ser (NM_001320654.2); c.1267C>T, p.Pro423Ser (NM_001320658.2); c.939+4842C>T (NM_001144917.2); short protein forms P195S, P308S, P311S, P334S, P335S, P423S, P424S.
Identifiers: ClinVar variation 1320736 (VCV001320736.2), dbSNP rs1207716999, ClinGen allele CA378326972.

ClinVar aggregate classification (germline): Uncertain significance (1 of 4 stars; one submission).

Allele frequency attached by ClinVar (database versions not stated): TOPMed below 0.00001; gnomAD 0.00001; gnomAD exomes 0.00001.
gnomAD v4.1: 6 of 1,614,044 alleles (0.00037%); highest among the groups gnomAD compares: Non-Finnish European, 0.00051%; no homozygotes.

Submission:

GeneDx
Classification: Uncertain significance. Last evaluated: 2019-04-19. Review status: criteria provided, single submitter. Criteria: GeneDx Variant Classification Process June 2021. Collection method: clinical testing. Allele origin: germline. Affected: yes.
Comment: Not observed at a significant frequency in large population cohorts (Lek et al., 2016); In-silico analysis, which includes splice predictors and evolutionary conservation, is inconclusive as to whether the variant alters gene splicing. In the absence of RNA/functional studies, the actual effect of this sequence change is unknown.; In silico predictors and evolutionary conservation suggest the missense change may have a deleterious effect on the protein; Has not been previously published as pathogenic or benign to our knowledge